The following is an entry in ClinVar:

ClinVar aggregate classification (germline): Uncertain significance (1 of 4 stars; one submission).

Conditions:
Bethlem myopathy 1A. Also called: MYOPATHY, BENIGN CONGENITAL, WITH CONTRACTURES; Bethlem myopathy 1; Bethlem Muscular Dystrophy. Identifiers: Orphanet 610, MedGen CN029274, MONDO:0024530, OMIM 158810.

Submission:

Labcorp Genetics (formerly Invitae), Labcorp
Classification: Uncertain significance for Bethlem myopathy 1A. Last evaluated: 2022-11-08. Review status: criteria provided, single submitter. Criteria: Invitae Variant Classification Sherloc (09022015). Collection method: clinical testing. Allele origin: germline.
Comment: This variant disrupts the triple helix domain of COL6A1. Glycine residues within the Gly-Xaa-Yaa repeats of the triple helix domain are required for the structure and stability of fibrillar collagens (PMID: 7695699, 8218237, 19344236). In COL6A1, variants at these glycine residues are significantly enriched in individuals with autosomal dominant disease (PMID: 15689448, 24038877) compared to the general population (ExAC). Algorithms developed to predict the effect of sequence changes on RNA splicing suggest that this variant may create or strengthen a splice site. Advanced modeling of protein sequence and biophysical properties (such as structural, functional, and spatial information, amino acid conservation, physicochemical variation, residue mobility, and thermodynamic stability) performed at Invitae indicates that this missense variant is expected to disrupt COL6A1 protein function. ClinVar contains an entry for this variant (Variation ID: 851577). This variant has not been reported in the literature in individuals affected with COL6A1-related conditions. This variant is not present in population databases (gnomAD no frequency). This sequence change replaces glycine, which is neutral and non-polar, with serine, which is neutral and polar, at codon 426 of the COL6A1 protein (p.Gly426Ser). In summary, the available evidence is currently insufficient to determine the role of this variant in disease. Therefore, it has been classified as a Variant of Uncertain Significance.

Literature cited by the submitters: PubMed 7695699; PubMed 8218237; PubMed 19344236; PubMed 15689448; PubMed 24038877.

NM_001848.3(COL6A1):c.1276G>A (p.Gly426Ser)

Gene: COL6A1 (collagen type VI alpha 1 chain; plus strand). Cytogenetic location: 21q22.3.
Variant type: single nucleotide variant.
Coding change: c.1276G>A on transcript NM_001848.3 (MANE Select); coding-DNA position 1276, G replaced by A.
Protein change: p.Gly426Ser; replaces glycine 426 with serine.
Molecular consequence: missense variant.
Genome position (GRCh38, 1-based): chr21:45,992,751, G>A. VCF-style: chr21-45992751-G-A. GRCh37 (hg19) VCF-style: chr21-47412665-G-A.
Other names: short protein forms G426S.
Identifiers: ClinVar variation 851577 (VCV000851577.8), dbSNP rs2077783907, ClinGen allele CA410525931.